The following is an entry in ClinVar:

ClinVar aggregate classification (germline): Uncertain significance (1 of 4 stars; one submission).

Conditions:
Alstrom syndrome (ALMS). Identifiers: Orphanet 64, MedGen C0268425, MONDO:0008763, OMIM 203800.

Submission:

Labcorp Genetics (formerly Invitae), Labcorp
Classification: Uncertain significance for Alstrom syndrome. Last evaluated: 2022-09-27. Review status: criteria provided, single submitter. Criteria: Invitae Variant Classification Sherloc (09022015). Collection method: clinical testing. Allele origin: germline.
Comment: This sequence change replaces isoleucine, which is neutral and non-polar, with valine, which is neutral and non-polar, at codon 1831 of the ALMS1 protein (p.Ile1831Val). This variant is not present in population databases (gnomAD no frequency). This variant has not been reported in the literature in individuals affected with ALMS1-related conditions. Experimental studies and prediction algorithms are not available or were not evaluated, and the functional significance of this variant is currently unknown. In summary, the available evidence is currently insufficient to determine the role of this variant in disease. Therefore, it has been classified as a Variant of Uncertain Significance.

NM_001378454.1(ALMS1):c.5488A>G (p.Ile1830Val)

Gene: ALMS1 (ALMS1 centrosome and basal body associated protein; plus strand). Cytogenetic location: 2p13.1.
Variant type: single nucleotide variant.
Coding change: c.5488A>G on transcript NM_001378454.1 (MANE Select); coding-DNA position 5488, A replaced by G.
Protein change: p.Ile1830Val; replaces isoleucine 1830 with valine.
Molecular consequence: missense variant.
Genome position (GRCh38, 1-based): chr2:73,452,015, A>G. VCF-style: chr2-73452015-A-G. GRCh37 (hg19) VCF-style: chr2-73679142-A-G.
Other names: c.5491A>G, p.Ile1831Val (NM_015120.4); short protein forms I1831V, I1830V.
Identifiers: ClinVar variation 2006196 (VCV002006196.1), dbSNP rs1466650279, ClinGen allele CA347282286.